The following is an entry in ClinVar:

ClinVar aggregate classification (germline): Uncertain significance. Review status: criteria provided, multiple submitters, no conflicts (2 of 4 stars). 3 submissions from 3 submitters: Uncertain significance (3). Last evaluated 2025-08-06.

Conditions:
Hereditary cancer-predisposing syndrome. Also called: Hereditary neoplastic syndrome; Neoplastic Syndromes, Hereditary; Hereditary Cancer Syndrome; Tumor predisposition. Identifiers: Orphanet 140162, MedGen C0027672, MeSH D009386, MONDO:0015356.
Ataxia-telangiectasia syndrome (AT). Also called: LOUIS-BAR SYNDROME; Cerebello-oculocutaneous telangiectasia; Immunodeficiency with ataxia telangiectasia; ATAXIA-TELANGIECTASIA, COMPLEMENTATION GROUP A; ATAXIA-TELANGIECTASIA, FRESNO VARIANT; Ataxia-telangiectasia, complementation group D. Identifiers: Orphanet 100, MedGen C0004135, MONDO:0008840, OMIM 208900.

Submissions (3):

Ambry Genetics
Classification: Uncertain significance for Hereditary cancer-predisposing syndrome. Last evaluated: 2025-08-06. Review status: criteria provided, single submitter. Criteria: Ambry Variant Classification Scheme 2023. Collection method: clinical testing. Allele origin: germline.
Comment: The p.N567Y variant (also known as c.1699A>T), located in coding exon 10 of the ATM gene, results from an A to T substitution at nucleotide position 1699. The asparagine at codon 567 is replaced by tyrosine, an amino acid with dissimilar properties. This amino acid position is well conserved in available vertebrate species. In addition, this alteration is predicted to be tolerated by in silico analysis. Based on the available evidence, the clinical significance of this variant remains unclear.

Color Diagnostics, LLC DBA Color Health
Classification: Uncertain significance for Hereditary cancer-predisposing syndrome. Last evaluated: 2023-01-03. Review status: criteria provided, single submitter. Criteria: ACMG Guidelines, 2015. Collection method: clinical testing. Allele origin: germline.
Comment: This missense variant replaces asparagine with tyrosine at codon 567 of the ATM protein. Computational prediction suggests that this variant may not impact protein structure and function (internally defined REVEL score threshold <= 0.5, PMID: 27666373). To our knowledge, functional studies have not been reported for this variant. This variant has not been reported in individuals affected with ATM-related disorders in the literature. This variant has not been identified in the general population by the Genome Aggregation Database (gnomAD). The available evidence is insufficient to determine the role of this variant in disease conclusively. Therefore, this variant is classified as a Variant of Uncertain Significance.

Labcorp Genetics (formerly Invitae), Labcorp
Classification: Uncertain significance for Ataxia-telangiectasia syndrome. Last evaluated: 2021-09-24. Review status: criteria provided, single submitter. Criteria: Invitae Variant Classification Sherloc (09022015). Collection method: clinical testing. Allele origin: germline.
Comment: In summary, the available evidence is currently insufficient to determine the role of this variant in disease. Therefore, it has been classified as a Variant of Uncertain Significance. Advanced modeling of protein sequence and biophysical properties (such as structural, functional, and spatial information, amino acid conservation, physicochemical variation, residue mobility, and thermodynamic stability) performed at Invitae indicates that this missense variant is not expected to disrupt ATM protein function. This variant has not been reported in the literature in individuals affected with ATM-related conditions. This variant is not present in population databases (ExAC no frequency). This sequence change replaces asparagine with tyrosine at codon 567 of the ATM protein (p.Asn567Tyr). The asparagine residue is moderately conserved and there is a large physicochemical difference between asparagine and tyrosine.

NM_000051.4(ATM):c.1699A>T (p.Asn567Tyr)

Gene: ATM (ATM serine/threonine kinase; plus strand). Cytogenetic location: 11q22.3.
Variant type: single nucleotide variant.
Coding change: c.1699A>T on transcript NM_000051.4 (MANE Select); coding-DNA position 1699, A replaced by T.
Protein change: p.Asn567Tyr; replaces asparagine 567 with tyrosine.
Molecular consequence: missense variant.
Genome position (GRCh38, 1-based): chr11:108,251,928, A>T. VCF-style: chr11-108251928-A-T. GRCh37 (hg19) VCF-style: chr11-108122655-A-T.
Other names: c.1699A>T, p.Asn567Tyr (NM_001351834.2); c.1699A>T (NM_000051.3); short protein forms N567Y.
Identifiers: ClinVar variation 1410684 (VCV001410684.9), dbSNP rs2135341638, ClinGen allele CA382535233.